The following is an entry in ClinVar:

ClinVar aggregate classification (germline): Uncertain significance (1 of 4 stars; one submission).

Allele frequency attached by ClinVar (database versions not stated): ExAC 0.00001; gnomAD 0.00001; TOPMed 0.00001.
gnomAD v4.1: 28 of 1,612,864 alleles (0.0017%); highest among the groups gnomAD compares: Non-Finnish European, 0.0019%; no homozygotes.

Submission:

Labcorp Genetics (formerly Invitae), Labcorp
Classification: Uncertain significance. Last evaluated: 2022-04-09. Review status: criteria provided, single submitter. Criteria: Invitae Variant Classification Sherloc (09022015). Collection method: clinical testing. Allele origin: germline.
Comment: In summary, the available evidence is currently insufficient to determine the role of this variant in disease. Therefore, it has been classified as a Variant of Uncertain Significance. Algorithms developed to predict the effect of missense changes on protein structure and function are either unavailable or do not agree on the potential impact of this missense change (SIFT: "Deleterious"; PolyPhen-2: "Possibly Damaging"; Align-GVGD: "Class C0"). This variant has not been reported in the literature in individuals affected with EPS8L2-related conditions. This variant is present in population databases (rs746324962, gnomAD 0.002%). This sequence change replaces arginine, which is basic and polar, with tryptophan, which is neutral and slightly polar, at codon 20 of the EPS8L2 protein (p.Arg20Trp).

NM_022772.4(EPS8L2):c.58C>T (p.Arg20Trp)

Gene: EPS8L2 (EPS8 signaling adaptor L2; plus strand). Cytogenetic location: 11p15.5.
Variant type: single nucleotide variant.
Coding change: c.58C>T on transcript NM_022772.4 (MANE Select); coding-DNA position 58, C replaced by T.
Protein change: p.Arg20Trp; replaces arginine 20 with tryptophan.
Molecular consequence: missense variant.
Genome position (GRCh38, 1-based): chr11:709,566, C>T. VCF-style: chr11-709566-C-T. GRCh37 (hg19) VCF-style: chr11-709566-C-T.
Other names: short protein forms R20W.
Identifiers: ClinVar variation 1917452 (VCV001917452.4), dbSNP rs746324962, ClinGen allele CA5786987.